The following is an entry in ClinVar:

NM_001365536.1(SCN9A):c.5030A>T (p.Asp1677Val)

Genes: SCN1A-AS1 (SCN1A and SCN9A antisense RNA 1; plus strand), SCN9A (sodium voltage-gated channel alpha subunit 9; minus strand). Cytogenetic location: 2q24.3.
Variant type: single nucleotide variant.
Coding change: c.5030A>T on transcript NM_001365536.1 (MANE Select); coding-DNA position 5030, A replaced by T.
Protein change: p.Asp1677Val; replaces aspartic acid 1677 with valine.
Molecular consequence: missense variant.
Genome position (GRCh38, 1-based): chr2:166,199,609, T>A on the plus strand (A>T on the coding strand, the complement: SCN9A is on the minus strand). VCF-style: chr2-166199609-T-A. GRCh37 (hg19) VCF-style: chr2-167056119-T-A.
Other names: c.4997A>T, p.Asp1666Val (NM_002977.4); short protein forms D1666V, D1677V.
Identifiers: ClinVar variation 448295 (VCV000448295.9), dbSNP rs1553473210, ClinGen allele CA349054875.
Genomic context (GRCh38, chr2:166,199,609, plus strand): 5'-GAGGTTGTAATTTGGAACAGGCAAATCATACTGTTGCCAAAGGTCTCAAAATTGAACATG[T>A]CATTAATTCCATCTTCCTTTTTAACATAGGCAAAGTTGGACATTCCAAAGATGGCGTAGA-3'
Protein context (NP_001352465.1, residues 1667-1687): AYVKKEDGIN[Asp1677Val]MFNFETFGNS

ClinVar aggregate classification (germline): Uncertain significance. Review status: criteria provided, multiple submitters, no conflicts (2 of 4 stars). 2 submissions from 2 submitters: Uncertain significance (2). Last evaluated 2017-03-07.

Conditions:
Generalized epilepsy with febrile seizures plus, type 7 (GEFSP7). Also called: GEFS+, TYPE 7. Identifiers: Orphanet 36387, MedGen C2751778, MONDO:0013470, OMIM 613863.
Neuropathy, hereditary sensory and autonomic, type 2A (HSAN2A). Also called: NEUROPATHY, CONGENITAL SENSORY; NEUROPATHY, HEREDITARY SENSORY RADICULAR, AUTOSOMAL RECESSIVE; NEUROPATHY, HEREDITARY SENSORY, TYPE IIA; NEUROPATHY, PROGRESSIVE SENSORY, OF CHILDREN; HSAN IIA; MORVAN DISEASE. Identifiers: Orphanet 970, MedGen C2752089, MONDO:0024309, OMIM 201300.

Allele frequency attached by ClinVar (database versions not stated): gnomAD exomes below 0.00001.
gnomAD v4.1: 2 of 1,614,182 alleles (0.00012%); highest among the groups gnomAD compares: Non-Finnish European, 0.00017%; no homozygotes.

Submissions (2):

Labcorp Genetics (formerly Invitae), Labcorp
Classification: Uncertain significance for Neuropathy, hereditary sensory and autonomic, type 2A; Generalized epilepsy with febrile seizures plus, type 7. Last evaluated: 2017-03-07. Review status: criteria provided, single submitter. Criteria: Invitae Variant Classification Sherloc (09022015). Collection method: clinical testing. Allele origin: germline.
Comment: In summary, this variant is a novel missense change with uncertain impact on protein function. It has been classified as a Variant of Uncertain Significance. Algorithms developed to predict the effect of missense changes on protein structure and function (SIFT, PolyPhen-2, Align-GVGD) all suggest that this variant is likely to be disruptive, but these predictions have not been confirmed by published functional studies. This variant is not present in population databases (ExAC no frequency) and has not been reported in the literature in individuals with an SCN9A-related disease. This sequence change replaces aspartic acid with valine at codon 1666 of the SCN9A protein (p.Asp1666Val). The aspartic acid residue is highly conserved and there is a large physicochemical difference between aspartic acid and valine.

Athena Diagnostics
Classification: Uncertain significance. Last evaluated: 2016-12-22. Review status: criteria provided, single submitter. Criteria: Athena Diagnostics Criteria. Collection method: clinical testing. Allele origin: germline.